The following is an entry in ClinVar:

NM_000553.6(WRN):c.1538A>T (p.Glu513Val)

Gene: WRN (WRN RecQ like helicase; plus strand). Cytogenetic location: 8p12.
Variant type: single nucleotide variant.
Coding change: c.1538A>T on transcript NM_000553.6 (MANE Select); coding-DNA position 1538, A replaced by T.
Protein change: p.Glu513Val; replaces glutamic acid 513 with valine.
Molecular consequence: missense variant.
Genome position (GRCh38, 1-based): chr8:31,087,882, A>T. VCF-style: chr8-31087882-A-T. GRCh37 (hg19) VCF-style: chr8-30945398-A-T.
Other names: short protein forms E513V.
Identifiers: ClinVar variation 1483879 (VCV001483879.6), dbSNP rs2130157028, ClinGen allele CA370924702.

ClinVar aggregate classification (germline): Uncertain significance (1 of 4 stars; one submission).

Conditions:
Werner syndrome (WRN). Identifiers: Orphanet 902, MedGen C0043119, MONDO:0010196, OMIM 277700.

Submission:

Labcorp Genetics (formerly Invitae), Labcorp
Classification: Uncertain significance for Werner syndrome. Last evaluated: 2023-05-09. Review status: criteria provided, single submitter. Criteria: Invitae Variant Classification Sherloc (09022015). Collection method: clinical testing. Allele origin: germline.
Comment: In summary, the available evidence is currently insufficient to determine the role of this variant in disease. Therefore, it has been classified as a Variant of Uncertain Significance. An algorithm developed to predict the effect of missense changes on protein structure and function (PolyPhen-2) suggests that this variant is likely to be tolerated. ClinVar contains an entry for this variant (Variation ID: 1483879). This variant has not been reported in the literature in individuals affected with WRN-related conditions. This variant is not present in population databases (gnomAD no frequency). This sequence change replaces glutamic acid, which is acidic and polar, with valine, which is neutral and non-polar, at codon 513 of the WRN protein (p.Glu513Val).